The following is an entry in ClinVar:

ClinVar aggregate classification (germline): Conflicting classifications of pathogenicity. Review status: criteria provided, conflicting classifications (1 of 4 stars). 5 submissions from 5 submitters: Uncertain significance (4); Likely benign (1). Last evaluated 2026-01-18.

Conditions:
Generalized epilepsy with febrile seizures plus, type 1 (GEFSP1). Also called: GEFS+, TYPE 1. Identifiers: Orphanet 36387, MedGen C1858672, MONDO:0011416, OMIM 604233.
Developmental and epileptic encephalopathy, 52 (DEE52). Also called: Epileptic encephalopathy, early infantile, 52. Identifiers: MedGen C4479236, MONDO:0033361, OMIM 617350.
Developmental and epileptic encephalopathy, 1 (DEE1). Also called: Epileptic encephalopathy, early infantile, 1; X-linked infantile spasms; West's syndrome; Tonic spasms with clustering, arrest of psychomotor development and hypsarrhythmia on EEG; X-Linked Infantile Spasm Syndrome; OHTAHARA SYNDROME, X-LINKED. Identifiers: MedGen C3463992, MONDO:0010632, OMIM 308350. Disease mechanism: loss of function.
Brugada syndrome 5 (BRGDA5). Identifiers: Orphanet 130, Orphanet 871, MedGen C2748541, MONDO:0013015, OMIM 612838.

Allele frequency attached by ClinVar (database versions not stated): ExAC 0.00010; gnomAD 0.00011; gnomAD exomes 0.00012 and 0.00020; TOPMed 0.00012; 1000 Genomes Project 0.00020; 1000 Genomes Project 30x 0.00031.
gnomAD v4.1: 310 of 1,613,714 alleles (0.019%); highest among the groups gnomAD compares: Non-Finnish European, 0.024%; no homozygotes.

Submissions (6):

Labcorp Genetics (formerly Invitae), Labcorp
Classification: Uncertain significance for Brugada syndrome 5. Last evaluated: 2026-01-18. Review status: criteria provided, single submitter. Criteria: Invitae Variant Classification Sherloc (09022015). Collection method: clinical testing. Allele origin: germline.
Comment: This sequence change replaces arginine, which is basic and polar, with glutamine, which is neutral and polar, at codon 163 of the SCN1B protein (p.Arg163Gln). This variant is present in population databases (rs199685662, gnomAD 0.02%). This variant has not been reported in the literature in individuals affected with SCN1B-related conditions. ClinVar contains an entry for this variant (Variation ID: 406499). An algorithm developed to predict the effect of missense changes on protein structure and function outputs the following: PolyPhen-2: "Benign". The glutamine amino acid residue is found in multiple mammalian species, which suggests that this missense change does not adversely affect protein function. In summary, the available evidence is currently insufficient to determine the role of this variant in disease. Therefore, it has been classified as a Variant of Uncertain Significance.

GeneDx
Classification: Uncertain significance. Last evaluated: 2025-09-11. Review status: criteria provided, single submitter. Criteria: GeneDx Variant Classification Process June 2021. Collection method: clinical testing. Allele origin: germline. Affected: yes.
Comment: Reported in two siblings with a history of intractable epilepsy, hypotonia, global developmental delay, gastroesophageal reflux disease, and minor dysmorphic features; however, the variant was inherited from an unaffected father and additional compound heterozygous variants in the PIGN gene were identified that were expected to explain the familial phenotype (PMID: 26394714); In silico analysis indicates that this missense variant does not alter protein structure/function; Reported using an alternate transcript of the gene; This variant is associated with the following publications: (PMID: 26394714)

Blueprint Genetics
Classification: Likely benign. Last evaluated: 2024-02-13. Review status: criteria provided, single submitter. Criteria: ACMG Guidelines, 2015. Collection method: clinical testing. Allele origin: germline.

CeGaT Center for Human Genetics Tuebingen
Classification: Uncertain significance. Last evaluated: 2023-08-01. Review status: criteria provided, single submitter. Criteria: CeGaT Center For Human Genetics Tuebingen Variant Classification Criteria Version 2. Collection method: clinical testing. Allele origin: germline. Affected: yes. Observed: 1 variant allele.

ARUP Laboratories, Molecular Genetics and Genomics, ARUP Laboratories
Classification: Uncertain significance. Last evaluated: 2021-08-20. Review status: criteria provided, single submitter. Criteria: ARUP Molecular Germline Variant Investigation Process 2021. Collection method: clinical testing. Allele origin: germline.

Dr. Peter K. Rogan Lab, Western University
No classification provided (evidence only). Condition: Uterine corpus endometrial carcinoma. Review status: no classification provided. Collection method: in vitro. Allele origin: not applicable. Functional consequence: retained intron. Not counted in ClinVar's aggregate classification.

NM_001037.5(SCN1B):c.448+40G>A

Gene: SCN1B (sodium voltage-gated channel beta subunit 1; plus strand). Cytogenetic location: 19q13.11.
Variant type: single nucleotide variant.
Coding change: c.448+40G>A on transcript NM_001037.5 (MANE Select); 40 bases into the intron after coding-DNA position 448, G replaced by A.
Molecular consequence: intron variant. On other transcripts: missense variant (1).
Genome position (GRCh38, 1-based): chr19:35,033,779, G>A. VCF-style: chr19-35033779-G-A. GRCh37 (hg19) VCF-style: chr19-35524683-G-A.
Other names: c.488G>A, p.Arg163Gln (NM_199037.5); c.349+40G>A (NM_001321605.2); short protein forms R163Q.
Identifiers: ClinVar variation 406499 (VCV000406499.58), dbSNP rs199685662, ClinGen allele CA9372024.